The following is an entry in ClinVar:

ClinVar aggregate classification (germline): Pathogenic. Review status: reviewed by expert panel (3 of 4 stars). 10 submissions from 10 submitters: Pathogenic (1). 9 of the submissions do not count toward it. Last evaluated 2016-04-22.

Conditions:
Inherited ovarian cancer (without breast cancer).
Hereditary cancer-predisposing syndrome. Also called: Hereditary Cancer Syndrome; Hereditary neoplastic syndrome; Neoplastic Syndromes, Hereditary; Tumor predisposition. Identifiers: Orphanet 140162, MedGen C0027672, MeSH D009386, MONDO:0015356.
Hereditary breast ovarian cancer syndrome. Also called: BRCA1- and BRCA2-Associated Hereditary Breast and Ovarian Cancer; Hereditary breast and ovarian cancer syndrome; Hereditary breast and ovarian cancer syndrome (HBOC); Breast and ovarian cancer; Hereditary breast and/or ovarian cancer syndrome; Hereditary breast and ovarian cancer. Identifiers: Orphanet 145, MedGen C0677776, MeSH D061325, MONDO:0003582. Disease mechanism: loss of function.
Breast-ovarian cancer, familial, susceptibility to, 1 (BROVCA1). Also called: BRCA1 Hereditary Breast and Ovarian Cancer; OVARIAN CANCER, SUSCEPTIBILITY TO. Identifiers: Orphanet 145, MedGen C2676676, MONDO:0011450, OMIM 604370. Disease mechanism: loss of function.

Allele frequency attached by ClinVar (database versions not stated): gnomAD exomes below 0.00001.

Submissions (10):

Evidence-based Network for the Interpretation of Germline Mutant Alleles (ENIGMA)
Classification: Pathogenic for Breast-ovarian cancer, familial, susceptibility to, 1. Last evaluated: 2016-04-22. Review status: reviewed by expert panel. Criteria: ENIGMA BRCA1/2 Classification Criteria (2015). Collection method: curation. Allele origin: germline.
Comment: Variant allele predicted to encode a truncated non-functional protein.

Genomics and Molecular Medicine Service, East Genomic Laboratory Hub, NHS Genomic Medicine Service
Classification: Pathogenic for Inherited ovarian cancer (without breast cancer). Last evaluated: 2026-07-07. Review status: criteria provided, single submitter. Criteria: ACGS Best Practice Guidelines for Variant Classification in Rare Disease 2020. Collection method: clinical testing. Allele origin: germline. Affected: yes. Not counted in ClinVar's aggregate classification.
Comment: PVS1,PM2_Supporting,PM5_Supporting

Labcorp Genetics (formerly Invitae), Labcorp
Classification: Pathogenic for Hereditary breast ovarian cancer syndrome. Last evaluated: 2024-12-23. Review status: criteria provided, single submitter. Criteria: Invitae Variant Classification Sherloc (09022015). Collection method: clinical testing. Allele origin: germline. Not counted in ClinVar's aggregate classification.
Comment: This sequence change creates a premature translational stop signal (p.Gln174Lysfs*60) in the BRCA1 gene. It is expected to result in an absent or disrupted protein product. Loss-of-function variants in BRCA1 are known to be pathogenic (PMID: 20104584). This variant is not present in population databases (gnomAD no frequency). This premature translational stop signal has been observed in individual(s) with a personal and/or family history of breast and/or ovarian cancer (PMID: 17688236, 27798748, 29446198). ClinVar contains an entry for this variant (Variation ID: 55460). For these reasons, this variant has been classified as Pathogenic.

Ambry Genetics
Classification: Pathogenic for Hereditary cancer-predisposing syndrome. Last evaluated: 2024-10-14. Review status: criteria provided, single submitter. Criteria: Ambry Variant Classification Scheme 2023. Collection method: clinical testing. Allele origin: germline. Not counted in ClinVar's aggregate classification.
Comment: The c.520delC pathogenic mutation, located in coding exon 6 of the BRCA1 gene, results from a deletion of one nucleotide at nucleotide position 520, causing a translational frameshift with a predicted alternate stop codon (p.Q174Kfs*60). This mutation has been detected in multiple individuals with a personal and/or family history of breast or ovarian cancer (Ramus SJ et al. Hum. Mutat., 2007 Dec;28:1207-15; Pilato B et al. Mol. Biotechnol., 2012 Sep;52:8-15; Moran O et al. Breast Cancer Res. Treat., 2017 01;161:135-142). In one case control study, this alteration was detected in 0/2222 individuals with invasive epithelial ovarian cancer and 1/1528 matched controls (Song H et al. Hum. Mol. Genet., 2014 Sep;23:4703-9). Of note, this alteration is also designated as c.72_73delC in the published literature. This variant is considered to be rare based on population cohorts in the Genome Aggregation Database (gnomAD). In addition to the clinical data presented in the literature, this alteration is expected to result in loss of function by premature protein truncation or nonsense-mediated mRNA decay. As such, this alteration is interpreted as a disease-causing mutation.

Quest Diagnostics Nichols Institute San Juan Capistrano
Classification: Pathogenic. Last evaluated: 2023-07-27. Review status: criteria provided, single submitter. Criteria: Quest Diagnostics criteria. Collection method: clinical testing. Allele origin: unknown. Not counted in ClinVar's aggregate classification.
Comment: The BRCA1 c.520del (p.Gln174Lysfs*60) variant alters the translational reading frame of the BRCA1 mRNA and causes the premature termination of BRCA1 protein synthesis. This variant has been reported in the published literature in individuals and families with a history of, or at high risk for, breast and/or ovarian cancer (PMIDs: 29446198 (2018), 27798748 (2017), 22333603 (2012), 22072316 (2012), 17688236 (2007), 16267036 (2005)). This variant has not been reported in large, multi-ethnic general populations (Genome Aggregation Database). Based on the available information, this variant is classified as pathogenic.

Baylor Genetics
Classification: Pathogenic for Breast-ovarian cancer, familial, susceptibility to, 1. Last evaluated: 2021-04-13. Review status: criteria provided, single submitter. Criteria: ACMG Guidelines, 2015. Collection method: clinical testing. Allele origin: unknown. Not counted in ClinVar's aggregate classification.

Women's Health and Genetics/Laboratory Corporation of America, LabCorp
Classification: Pathogenic for Hereditary breast and ovarian cancer syndrome. Last evaluated: 2020-10-22. Review status: criteria provided, single submitter. Criteria: LabCorp Variant Classification Summary - May 2015. Collection method: clinical testing. Allele origin: germline. Not counted in ClinVar's aggregate classification.
Comment: Variant summary: BRCA1 c.520delC (p.Gln174LysfsX60) results in a premature termination codon, predicted to cause a truncation of the encoded protein or absence of the protein due to nonsense mediated decay, which are commonly known mechanisms for disease. Truncations downstream of this position have been classified as pathogenic by our laboratory. The variant was absent in 251468 control chromosomes. c.520delC has been reported in the literature in multiple individuals affected with Hereditary Breast And Ovarian Cancer Syndrome (examples- Judkins_2005, Robertson_2012, Ruark_2013, Rebbeck_2018). These data indicate that the variant is very likely to be associated with disease. To our knowledge, no experimental evidence demonstrating an impact on protein function has been reported. Three other ClinVar submitters, including two expert panels (evaluation after 2014), have cited the variant as pathogenic. Based on the evidence outlined above, the variant was classified as pathogenic.

Consortium of Investigators of Modifiers of BRCA1/2 (CIMBA), c/o University of Cambridge
Classification: Pathogenic for Breast-ovarian cancer, familial, susceptibility to, 1. Last evaluated: 2015-10-02. Review status: criteria provided, single submitter. Criteria: CIMBA Mutation Classification guidelines May 2016. Collection method: clinical testing. Allele origin: germline. Not counted in ClinVar's aggregate classification.

Research Molecular Genetics Laboratory, Women's College Hospital, University of Toronto
Classification: Pathogenic for Hereditary breast ovarian cancer syndrome. Last evaluated: 2014-01-31. Review status: no assertion criteria provided. Collection method: research. Allele origin: germline. Affected: yes. Study: The Canadian Open Genetics Repository (COGR). Not counted in ClinVar's aggregate classification.

Breast Cancer Information Core (BIC) (BRCA1)
Classification: Pathogenic for Breast-ovarian cancer, familial 1. Last evaluated: 2002-05-29. Review status: no assertion criteria provided. Collection method: clinical testing. Allele origin: germline. Affected: yes. Observed: 4 variant alleles. Not counted in ClinVar's aggregate classification.

Literature cited by the submitters: PubMed 20104584 (cited by Labcorp Genetics (formerly Invitae), Labcorp); PubMed 17688236 (cited by 3 submitters); PubMed 27798748 (cited by 3 submitters); PubMed 29446198 (cited by 3 submitters); PubMed 22072316 (cited by Ambry Genetics and Quest Diagnostics Nichols Institute San Juan Capistrano); PubMed 24728189 (cited by Ambry Genetics and Quest Diagnostics Nichols Institute San Juan Capistrano); PubMed 16267036 (cited by Quest Diagnostics Nichols Institute San Juan Capistrano and Women's Health and Genetics/Laboratory Corporation of America, LabCorp); PubMed 22333603 (cited by Quest Diagnostics Nichols Institute San Juan Capistrano and Women's Health and Genetics/Laboratory Corporation of America, LabCorp); PubMed 23242139 (cited by Women's Health and Genetics/Laboratory Corporation of America, LabCorp).

NM_007294.4(BRCA1):c.520del (p.Gln174fs)

Gene: BRCA1 (BRCA1 DNA repair associated; minus strand). Cytogenetic location: 17q21.31.
Variant type: Deletion.
Coding change: c.520del on transcript NM_007294.4 (MANE Select); coding-DNA position 520, one base deleted (C; older notation c.520delC).
Protein change: p.Gln174fs; shifts the reading frame from glutamine 174.
Molecular consequence: frameshift variant. On other transcripts: non-coding transcript variant (1).
Genome position (GRCh38, 1-based): chr17:43,099,802, G deleted on the plus strand (C on the coding strand, the reverse complement: BRCA1 is on the minus strand). VCF-style (leftmost placement, unchanged base first): chr17-43099801-TG-T. GRCh37 (hg19) VCF-style: chr17-41251818-TG-T.
Other names: 639delC; c.307delC, p.Gln103Lysfs (NM_001407571.1, NM_001407853.1, NM_001407894.1 and 18 more transcripts); c.520delC, p.Gln174Lysfs (NM_001407581.1, NM_001407582.1, NM_001407583.1 and 95 more transcripts); c.517delC, p.Gln173Lysfs (NM_001407587.1, NM_001407590.1, NM_001407591.1 and 65 more transcripts); c.511delC, p.Gln171Lysfs (NM_001407646.1, NM_001407647.1, NM_001408408.1); c.442delC, p.Gln148Lysfs (NM_001407653.1, NM_001407654.1, NM_001407655.1 and 12 more transcripts); c.439delC, p.Gln147Lysfs (NM_001407659.1, NM_001407660.1, NM_001407661.1 and 6 more transcripts); c.379delC, p.Gln127Lysfs (NM_001407692.1, NM_001407694.1, NM_001407695.1 and 60 more transcripts); and 7 more; short protein forms Q174fs, Q127fs.
Identifiers: ClinVar variation 55460 (VCV000055460.20), dbSNP rs80357639, ClinGen allele CA003362.